The following is an entry in ClinVar:

ClinVar aggregate classification (germline): Uncertain significance (1 of 4 stars; one submission).

Conditions:
Distal myopathy with posterior leg and anterior hand involvement. Also called: WILLIAMS DISTAL MYOPATHY. Identifiers: Orphanet 63273, MedGen C3279722, MONDO:0013550, OMIM 614065.
Myofibrillar myopathy 5. Also called: FILAMINOPATHY, AUTOSOMAL DOMINANT; Filaminopathy (type). Identifiers: Orphanet 171445, MedGen C1836050, MONDO:0012289, OMIM 609524.
Hypertrophic cardiomyopathy 26. Also called: Cardiomyopathy, familial hypertrophic, 26. Identifiers: Orphanet 75249, MedGen C4310749, MONDO:0014883, OMIM 617047.

Submission:

Labcorp Genetics (formerly Invitae), Labcorp
Classification: Uncertain significance for Distal myopathy with posterior leg and anterior hand involvement; Myofibrillar myopathy 5; Hypertrophic cardiomyopathy 26. Last evaluated: 2018-06-20. Review status: criteria provided, single submitter. Criteria: Invitae Variant Classification Sherloc (09022015). Collection method: clinical testing. Allele origin: germline.
Comment: Algorithms developed to predict the effect of missense changes on protein structure and function (SIFT, PolyPhen-2, Align-GVGD) all suggest that this variant is likely to be tolerated, but these predictions have not been confirmed by published functional studies and their clinical significance is uncertain. In summary, the available evidence is currently insufficient to determine the role of this variant in disease. Therefore, it has been classified as a Variant of Uncertain Significance. This variant has not been reported in the literature in individuals with FLNC-related disease. This variant is not present in population databases (ExAC no frequency). This sequence change replaces glycine with arginine at codon 6 of the FLNC protein (p.Gly6Arg). The glycine residue is weakly conserved and there is a moderate physicochemical difference between glycine and arginine.

NM_001458.5(FLNC):c.16G>C (p.Gly6Arg)

Gene: FLNC (filamin C; plus strand). Cytogenetic location: 7q32.1.
Variant type: single nucleotide variant.
Coding change: c.16G>C on transcript NM_001458.5 (MANE Select); coding-DNA position 16, G replaced by C.
Protein change: p.Gly6Arg; replaces glycine 6 with arginine.
Molecular consequence: missense variant.
Genome position (GRCh38, 1-based): chr7:128,830,653, G>C. VCF-style: chr7-128830653-G-C. GRCh37 (hg19) VCF-style: chr7-128470707-G-C.
Other names: c.16G>C, p.Gly6Arg (NM_001127487.2); short protein forms G6R.
Identifiers: ClinVar variation 569079 (VCV000569079.9), dbSNP rs1284761356, ClinGen allele CA369215405.
Genomic context (GRCh38, chr7:128,830,653, plus strand): 5'-CAAACCGCGGCCCTAGCCCCGGCCGCACCCCCAGCCCGCGCCAGCATGATGAACAACAGC[G>C]GCTACTCAGACGCCGGCCTCGGCCTGGGCGATGAGACAGACGAGATGCCGTCCACGGAGA-3'
Protein context (NP_001449.3, residues 1-16): MMNNS[Gly6Arg]YSDAGLGLGD